The following is an entry in ClinVar:

ClinVar aggregate classification (germline): Pathogenic (1 of 4 stars; one submission).

Conditions:
Exostoses, multiple, type 2 (EXT2). Also called: Hereditary Multiple Osteochondromatosis, Type II; EXOSTOSES, MULTIPLE, TYPE II. Identifiers: Orphanet 321, MedGen C1851413, MONDO:0007586, OMIM 133701.

Submission:

Labcorp Genetics (formerly Invitae), Labcorp
Classification: Pathogenic for Exostoses, multiple, type 2. Last evaluated: 2019-05-02. Review status: criteria provided, single submitter. Criteria: Invitae Variant Classification Sherloc (09022015). Collection method: clinical testing. Allele origin: germline.
Comment: This sequence change creates a premature translational stop signal (p.Glu132*) in the EXT2 gene. It is expected to result in an absent or disrupted protein product. This variant is not present in population databases (ExAC no frequency). This variant has not been reported in the literature in individuals with EXT2-related conditions. Loss-of-function variants in EXT2 are known to be pathogenic (PMID: 10679937, 19810120). For these reasons, this variant has been classified as Pathogenic.

Literature cited by the submitters: PubMed 10679937; PubMed 19810120.

NM_207122.2(EXT2):c.394G>T (p.Glu132Ter)

Gene: EXT2 (exostosin glycosyltransferase 2; plus strand). Cytogenetic location: 11p11.2.
Variant type: single nucleotide variant.
Coding change: c.394G>T on transcript NM_207122.2 (MANE Select); coding-DNA position 394, G replaced by T.
Protein change: p.Glu132Ter; replaces glutamic acid 132 with a stop codon.
Molecular consequence: nonsense.
Genome position (GRCh38, 1-based): chr11:44,108,106, G>T. VCF-style: chr11-44108106-G-T. GRCh37 (hg19) VCF-style: chr11-44129656-G-T.
Other names: c.493G>T, p.Glu165Ter (NM_000401.3); c.394G>T, p.Glu132Ter (NM_001178083.3, NM_001389628.1, NM_001389630.1); short protein forms E165*, E132*.
Identifiers: ClinVar variation 838385 (VCV000838385.8), dbSNP rs1954086080, ClinGen allele CA380180257.